The following is an entry in ClinVar:

NM_002291.3(LAMB1):c.3331G>C (p.Gly1111Arg)

Gene: LAMB1 (laminin subunit beta 1; minus strand). Cytogenetic location: 7q31.1.
Variant type: single nucleotide variant.
Coding change: c.3331G>C on transcript NM_002291.3 (MANE Select); coding-DNA position 3331, G replaced by C.
Protein change: p.Gly1111Arg; replaces glycine 1111 with arginine.
Molecular consequence: missense variant.
Genome position (GRCh38, 1-based): chr7:107,951,286, C>G on the plus strand (G>C on the coding strand, the complement: LAMB1 is on the minus strand). VCF-style: chr7-107951286-C-G. GRCh37 (hg19) VCF-style: chr7-107591731-C-G.
Other names: c.3331G>C (NM_002291.2); short protein forms G1111R.
Identifiers: ClinVar variation 1900041 (VCV001900041.7), dbSNP rs554118055, ClinGen allele CA4435358.

ClinVar aggregate classification (germline): Uncertain significance. Review status: criteria provided, multiple submitters, no conflicts (2 of 4 stars). 3 submissions from 3 submitters: Uncertain significance (3). Last evaluated 2025-11-13.

Conditions:
Inborn genetic diseases. Identifiers: MedGen C0950123, MeSH D030342.

Allele frequency attached by ClinVar (database versions not stated): gnomAD exomes 0.00001.
gnomAD v4.1: 8 of 1,614,050 alleles (0.0005%); highest among the groups gnomAD compares: Admixed American, 0.013%; no homozygotes.

Submissions (3):

Ambry Genetics
Classification: Uncertain significance for Inborn genetic diseases. Last evaluated: 2025-11-13. Review status: criteria provided, single submitter. Criteria: Ambry Variant Classification Scheme 2023. Collection method: clinical testing. Allele origin: germline.

GeneDx
Classification: Uncertain significance. Last evaluated: 2024-06-12. Review status: criteria provided, single submitter. Criteria: GeneDx Variant Classification Process June 2021. Collection method: clinical testing. Allele origin: germline. Affected: yes.
Comment: In silico analysis supports that this missense variant has a deleterious effect on protein structure/function; Has not been previously published as pathogenic or benign to our knowledge; This variant is associated with the following publications: (PMID: 23472759)

Labcorp Genetics (formerly Invitae), Labcorp
Classification: Uncertain significance. Last evaluated: 2022-08-13. Review status: criteria provided, single submitter. Criteria: Invitae Variant Classification Sherloc (09022015). Collection method: clinical testing. Allele origin: germline.
Comment: In summary, the available evidence is currently insufficient to determine the role of this variant in disease. Therefore, it has been classified as a Variant of Uncertain Significance. Algorithms developed to predict the effect of missense changes on protein structure and function (SIFT, PolyPhen-2, Align-GVGD) all suggest that this variant is likely to be disruptive. This variant has not been reported in the literature in individuals affected with LAMB1-related conditions. This variant is present in population databases (rs554118055, gnomAD 0.02%). This sequence change replaces glycine, which is neutral and non-polar, with arginine, which is basic and polar, at codon 1111 of the LAMB1 protein (p.Gly1111Arg).